The following is an entry in ClinVar:

NM_001048174.2(MUTYH):c.1209C>G (p.Leu403=)

Gene: MUTYH (mutY DNA glycosylase; minus strand). Cytogenetic location: 1p34.1.
Variant type: single nucleotide variant.
Coding change: c.1209C>G on transcript NM_001048174.2 (MANE Select); coding-DNA position 1209, C replaced by G.
Protein change: p.Leu403=; no amino-acid change (leucine 403 retained).
Molecular consequence: synonymous variant. On other transcripts: non-coding transcript variant (2).
Genome position (GRCh38, 1-based): chr1:45,331,450, G>C on the plus strand (C>G on the coding strand, the complement: MUTYH is on the minus strand). VCF-style: chr1-45331450-G-C. GRCh37 (hg19) VCF-style: chr1-45797122-G-C.
Other names: c.1209C>G, p.Leu403= (NM_001048171.2, NM_001048173.2, NM_001293195.2); c.1212C>G, p.Leu404= (NM_001048172.2); c.1293C>G, p.Leu431= (NM_001128425.2); c.1254C>G, p.Leu418= (NM_001293190.2); c.1242C>G, p.Leu414= (NM_001293191.2); c.933C>G, p.Leu311= (NM_001293192.2, NM_001293196.2); c.864C>G, p.Leu288= (NM_001350650.2, NM_001350651.2); c.1284C>G, p.Leu428= (NM_012222.3).
Identifiers: ClinVar variation 187408 (VCV000187408.25), dbSNP rs577542506, ClinGen allele CA012512.

ClinVar aggregate classification (germline): Likely benign. Review status: criteria provided, multiple submitters, no conflicts (2 of 4 stars). 10 submissions from 10 submitters: Likely benign (10). Last evaluated 2026-01-05.

Conditions:
MUTYH-related disorder. Also called: MUTYH-related condition; MUTYH-related disorders.
Hereditary cancer-predisposing syndrome. Also called: Neoplastic Syndromes, Hereditary; Tumor predisposition; Hereditary neoplastic syndrome; Hereditary Cancer Syndrome. Identifiers: Orphanet 140162, MedGen C0027672, MeSH D009386, MONDO:0015356.
Familial adenomatous polyposis 2. Also called: MUTYH Polyposis; ADENOMAS, MULTIPLE COLORECTAL, AUTOSOMAL RECESSIVE; MYH-associated polyposis; FAP type 2; Adenomas, multiple colorectal; MUTYH-related attenuated familial adenomatous polyposis. Identifiers: Orphanet 220460, Orphanet 247798, MedGen C3272841, MONDO:0012041, OMIM 608456.

Allele frequency attached by ClinVar (database versions not stated): ExAC 0.00001; 1000 Genomes Project 30x 0.00016; 1000 Genomes Project 0.00020.
gnomAD v4.1: 6 of 1,614,254 alleles (0.00037%); highest among the groups gnomAD compares: Middle Eastern, 0.033%; no homozygotes.

Submissions (10):

Labcorp Genetics (formerly Invitae), Labcorp
Classification: Likely benign for Familial adenomatous polyposis 2. Last evaluated: 2026-01-05. Review status: criteria provided, single submitter. Criteria: Invitae Variant Classification Sherloc (09022015). Collection method: clinical testing. Allele origin: germline.

PreventionGenetics, part of Exact Sciences
Classification: Likely benign for MUTYH-related condition. Last evaluated: 2025-12-31. Review status: criteria provided, single submitter. Criteria: ACMG Guidelines, 2015. Collection method: clinical testing. Allele origin: germline.
Comment: This variant is classified as likely benign based on ACMG/AMP sequence variant interpretation guidelines (Richards et al. 2015 PMID: 25741868, with internal and published modifications).

All of Us Research Program, National Institutes of Health
Classification: Likely benign for Familial adenomatous polyposis 2. Last evaluated: 2023-12-06. Review status: criteria provided, single submitter. Criteria: ACMG Guidelines, 2015. Collection method: clinical testing. Allele origin: germline. Inheritance: Autosomal recessive inheritance. Observed: 2 variant alleles, 2 heterozygotes.
Comment: This study involves interpretation of variants in research participants for the purpose of population health screening. Participant phenotype was not available at the time of variant classification. Additional details can be found in publication PMID: 35346344, PMCID: PMC8962531

KCCC/NGS Laboratory, Kuwait Cancer Control Center
Classification: Likely benign for Familial adenomatous polyposis 2. Last evaluated: 2023-07-07. Review status: criteria provided, single submitter. Criteria: ACMG Guidelines, 2015. Collection method: clinical testing. Allele origin: germline. Affected: yes.

Color Diagnostics, LLC DBA Color Health
Classification: Likely benign for Hereditary cancer-predisposing syndrome. Last evaluated: 2023-01-04. Review status: criteria provided, single submitter. Criteria: ACMG Guidelines, 2015. Collection method: clinical testing. Allele origin: germline.

Blueprint Genetics
Classification: Likely benign. Last evaluated: 2022-02-14. Review status: criteria provided, single submitter. Criteria: ACMG Guidelines, 2015. Collection method: clinical testing. Allele origin: germline.

Sema4
Classification: Likely benign for Hereditary cancer-predisposing syndrome. Last evaluated: 2021-05-07. Review status: criteria provided, single submitter. Criteria: Sema4 Curation Guidelines. Collection method: curation. Allele origin: germline.

GeneDx
Classification: Likely benign. Last evaluated: 2020-11-09. Review status: criteria provided, single submitter. Criteria: GeneDx Variant Classification Process June 2021. Collection method: clinical testing. Allele origin: germline. Affected: yes.

Ambry Genetics
Classification: Likely benign for Hereditary cancer-predisposing syndrome. Last evaluated: 2014-12-13. Review status: criteria provided, single submitter. Criteria: Ambry Variant Classification Scheme 2023. Collection method: clinical testing. Allele origin: germline.

Breakthrough Genomics
Classification: Likely benign. Review status: criteria provided, single submitter. Criteria: ACMG Guidelines, 2015. Collection method: not provided. Allele origin: germline. Inheritance: Autosomal recessive inheritance. Affected: yes.